The following is an entry in ClinVar:

NM_013275.6(ANKRD11):c.4622A>G (p.Glu1541Gly)

Gene: ANKRD11 (ankyrin repeat domain 11; minus strand). Cytogenetic location: 16q24.3.
Variant type: single nucleotide variant.
Coding change: c.4622A>G on transcript NM_013275.6 (MANE Select); coding-DNA position 4622, A replaced by G.
Protein change: p.Glu1541Gly; replaces glutamic acid 1541 with glycine.
Molecular consequence: missense variant.
Genome position (GRCh38, 1-based): chr16:89,281,920, T>C on the plus strand (A>G on the coding strand, the complement: ANKRD11 is on the minus strand). VCF-style: chr16-89281920-T-C. GRCh37 (hg19) VCF-style: chr16-89348328-T-C.
Other names: c.4622A>G, p.Glu1541Gly (NM_001256182.2, NM_001256183.2); short protein forms E1541G.
Identifiers: ClinVar variation 3543547 (VCV003543547.2).

ClinVar aggregate classification (germline): Conflicting classifications of pathogenicity. Review status: criteria provided, conflicting classifications (1 of 4 stars). 2 submissions from 2 submitters: Uncertain significance (1); Likely benign (1). Last evaluated 2025-07-14.

Conditions:
KBG syndrome (KBGS). Also called: ANKRD11-Related KBG Syndrome. Identifiers: Orphanet 2332, MedGen C0220687, MONDO:0007846, OMIM 148050.
Inborn genetic diseases. Identifiers: MedGen C0950123, MeSH D030342.

gnomAD v4.1: 16 of 1,613,252 alleles (0.00099%); highest among the groups gnomAD compares: African/African-American, 0.0013%; no homozygotes.

Submissions (2):

Labcorp Genetics (formerly Invitae), Labcorp
Classification: Uncertain significance for KBG syndrome. Last evaluated: 2025-07-14. Review status: criteria provided, single submitter. Criteria: Invitae Variant Classification Sherloc (09022015). Collection method: clinical testing. Allele origin: germline.
Comment: This sequence change replaces glutamic acid, which is acidic and polar, with glycine, which is neutral and non-polar, at codon 1541 of the ANKRD11 protein (p.Glu1541Gly). This variant is present in population databases (rs148872431, gnomAD 0.01%). This variant has not been reported in the literature in individuals affected with ANKRD11-related conditions. ClinVar contains an entry for this variant (Variation ID: 3543547). Invitae Evidence Modeling of protein sequence and biophysical properties (such as structural, functional, and spatial information, amino acid conservation, physicochemical variation, residue mobility, and thermodynamic stability) indicates that this missense variant is not expected to disrupt ANKRD11 protein function with a negative predictive value of 95%. In summary, the available evidence is currently insufficient to determine the role of this variant in disease. Therefore, it has been classified as a Variant of Uncertain Significance.

Ambry Genetics
Classification: Likely benign for Inborn genetic diseases. Last evaluated: 2024-07-23. Review status: criteria provided, single submitter. Criteria: Ambry Variant Classification Scheme 2023. Collection method: clinical testing. Allele origin: germline.